The following is an entry in ClinVar:

NM_004714.3(DYRK1B):c.1734T>C (p.Pro578=)

Gene: DYRK1B (dual specificity tyrosine phosphorylation regulated kinase 1B; minus strand). Cytogenetic location: 19q13.2.
Variant type: single nucleotide variant.
Coding change: c.1734T>C on transcript NM_004714.3 (MANE Select); coding-DNA position 1734, T replaced by C.
Protein change: p.Pro578=; no amino-acid change (proline 578 retained).
Molecular consequence: synonymous variant.
Genome position (GRCh38, 1-based): chr19:39,825,871, A>G on the plus strand (T>C on the coding strand, the complement: DYRK1B is on the minus strand). VCF-style: chr19-39825871-A-G. GRCh37 (hg19) VCF-style: chr19-40316511-A-G.
Other names: c.1614T>C, p.Pro538= (NM_006483.3); c.1650T>C, p.Pro550= (NM_006484.3).
Identifiers: ClinVar variation 3349681 (VCV003349681.1).

ClinVar aggregate classification (germline): Likely benign (0 of 4 stars; one submission).

Conditions:
DYRK1B-related disorder. Also called: DYRK1B-related condition.

gnomAD v4.1: 3 of 1,598,270 alleles (0.00019%); highest among the groups gnomAD compares: Non-Finnish European, 0.00026%; no homozygotes.

Submission:

PreventionGenetics, part of Exact Sciences
Classification: Likely benign for DYRK1B-related condition. Last evaluated: 2024-01-04. Review status: no assertion criteria provided. Collection method: clinical testing. Allele origin: germline.
Comment: This variant is classified as likely benign based on ACMG/AMP sequence variant interpretation guidelines (Richards et al. 2015 PMID: 25741868, with internal and published modifications).